The following is an entry in ClinVar:

NM_012233.3(RAB3GAP1):c.1499+5T>C

Gene: RAB3GAP1 (RAB3 GTPase activating protein catalytic subunit 1; plus strand). Cytogenetic location: 2q21.3.
Variant type: single nucleotide variant.
Coding change: c.1499+5T>C on transcript NM_012233.3 (MANE Select); 5 bases into the intron after coding-DNA position 1499, T replaced by C.
Molecular consequence: intron variant.
Genome position (GRCh38, 1-based): chr2:135,134,038, T>C. VCF-style: chr2-135134038-T-C. GRCh37 (hg19) VCF-style: chr2-135891608-T-C.
Other names: c.1499+5T>C (NM_001172435.2).
Identifiers: ClinVar variation 1498253 (VCV001498253.6), dbSNP rs2104948817, ClinGen allele CA2573133188.
Genomic context (GRCh38, chr2:135,134,038, plus strand): 5'-CAGGAATTTGTTCTTGAAATGCGTTTCCGATGGGAAAACAACTTTCTGATTCCAGGGTAA[T>C]AATTTCAATTTTCAATTGTTTGGATACGATTTTGTTTGTTAGCAGACATTTGACTTTTGA-3'

ClinVar aggregate classification (germline): Uncertain significance (1 of 4 stars; one submission).

Submission:

Labcorp Genetics (formerly Invitae), Labcorp
Classification: Uncertain significance. Last evaluated: 2024-08-13. Review status: criteria provided, single submitter. Criteria: Invitae Variant Classification Sherloc (09022015). Collection method: clinical testing. Allele origin: germline.
Comment: This sequence change falls in intron 15 of the RAB3GAP1 gene. It does not directly change the encoded amino acid sequence of the RAB3GAP1 protein. It affects a nucleotide within the consensus splice site. This variant is not present in population databases (gnomAD no frequency). This variant has not been reported in the literature in individuals affected with RAB3GAP1-related conditions. ClinVar contains an entry for this variant (Variation ID: 1498253). Variants that disrupt the consensus splice site are a relatively common cause of aberrant splicing (PMID: 17576681, 9536098). Algorithms developed to predict the effect of sequence changes on RNA splicing suggest that this variant is not likely to affect RNA splicing. In summary, the available evidence is currently insufficient to determine the role of this variant in disease. Therefore, it has been classified as a Variant of Uncertain Significance.

Literature cited by the submitters: PubMed 17576681; PubMed 9536098.